The following is an entry in ClinVar:

ClinVar aggregate classification (germline): Uncertain significance (0 of 4 stars; one submission).

Conditions:
CFI-related disorder. Also called: CFI-related condition; CFI-related disorders. Identifiers: MedGen CN239325.

Submission:

PreventionGenetics, part of Exact Sciences
Classification: Uncertain significance for CFI-related condition. Last evaluated: 2023-12-23. Review status: no assertion criteria provided. Collection method: clinical testing. Allele origin: germline.
Comment: The CFI c.161G>A variant is predicted to result in the amino acid substitution p.Cys54Tyr. To our knowledge, this variant has not been reported in the literature or in a large population database, indicating this variant is rare. A different nucleotide substitution affecting the same amino acid (p.Cys54Trp) has been reported in the homozygous state in an individual with complement factor I deficiency with recurrent leukocytoclastic vasculitis (Bay et al. 2015. PubMed ID: 25988862). At this time, the clinical significance of the c.161G>A (p.Cys54Tyr) variant is uncertain due to the absence of conclusive functional and genetic evidence.

NM_000204.5(CFI):c.161G>A (p.Cys54Tyr)

Gene: CFI (complement factor I; minus strand). Cytogenetic location: 4q25.
Variant type: single nucleotide variant.
Coding change: c.161G>A on transcript NM_000204.5 (MANE Select); coding-DNA position 161, G replaced by A.
Protein change: p.Cys54Tyr; replaces cysteine 54 with tyrosine.
Molecular consequence: missense variant. On other transcripts: non-coding transcript variant (3), intron variant (1).
Genome position (GRCh38, 1-based): chr4:109,766,721, C>T on the plus strand (G>A on the coding strand, the complement: CFI is on the minus strand). VCF-style: chr4-109766721-C-T. GRCh37 (hg19) VCF-style: chr4-110687877-C-T.
Other names: c.161G>A, p.Cys54Tyr (NM_001318057.2, NM_001331035.2, NM_001375278.1 and 5 more transcripts); c.-127-5029G>A (NM_001375284.1); short protein forms C54Y.
Identifiers: ClinVar variation 3037561 (VCV003037561.2), dbSNP rs199832793, ClinGen allele CA357865527.